The following is an entry in ClinVar:

NM_000123.4(ERCC5):c.1753G>T (p.Glu585Ter)

Genes: BIVM-ERCC5 (BIVM-ERCC5 readthrough; plus strand), ERCC5 (ERCC excision repair 5, endonuclease; plus strand). Cytogenetic location: 13q33.1.
Variant type: single nucleotide variant.
Coding change: c.1753G>T on transcript NM_000123.4 (MANE Select); coding-DNA position 1753, G replaced by T.
Protein change: p.Glu585Ter; replaces glutamic acid 585 with a stop codon.
Molecular consequence: nonsense.
Genome position (GRCh38, 1-based): chr13:102,862,902, G>T. VCF-style: chr13-102862902-G-T. GRCh37 (hg19) VCF-style: chr13-103515252-G-T.
Other names: c.3115G>T, p.Glu1039Ter (NM_001204425.2); short protein forms E1039*, E585*.
Identifiers: ClinVar variation 3774945 (VCV003774945.2).

ClinVar aggregate classification (germline): Pathogenic. Review status: criteria provided, multiple submitters, no conflicts (2 of 4 stars). 2 submissions from 2 submitters: Pathogenic (2). Last evaluated 2025-10-28.

gnomAD v4.1: 14 of 1,614,208 alleles (0.00087%); highest among the groups gnomAD compares: Non-Finnish European, 0.001%; no homozygotes.

Submissions (2):

Labcorp Genetics (formerly Invitae), Labcorp
Classification: Pathogenic. Last evaluated: 2025-10-28. Review status: criteria provided, single submitter. Criteria: Invitae Variant Classification Sherloc (09022015). Collection method: clinical testing. Allele origin: germline.
Comment: This sequence change creates a premature translational stop signal (p.Glu585*) in the ERCC5 gene. It is expected to result in an absent or disrupted protein product. Loss-of-function variants in ERCC5 are known to be pathogenic (PMID: 23370536, 24700531, 30919937). This variant is not present in population databases (gnomAD no frequency). This premature translational stop signal has been observed in individual(s) with xeroderma pigmentosum (PMID: 26884178). It has also been observed to segregate with disease in related individuals. ClinVar contains an entry for this variant (Variation ID: 3774945). For these reasons, this variant has been classified as Pathogenic.

GeneDx
Classification: Pathogenic. Last evaluated: 2024-09-25. Review status: criteria provided, single submitter. Criteria: GeneDx Variant Classification Process June 2021. Collection method: clinical testing. Allele origin: germline. Affected: yes.
Comment: Nonsense variant predicted to result in protein truncation or nonsense mediated decay in a gene for which loss of function is a known mechanism of disease; Not observed at significant frequency in large population cohorts (gnomAD); This variant is associated with the following publications: (PMID: 26884178)

Literature cited by the submitters: PubMed 23370536 (cited by Labcorp Genetics (formerly Invitae), Labcorp); PubMed 24700531 (cited by Labcorp Genetics (formerly Invitae), Labcorp); PubMed 30919937 (cited by Labcorp Genetics (formerly Invitae), Labcorp); PubMed 26884178 (cited by Labcorp Genetics (formerly Invitae), Labcorp).